The following is an entry in ClinVar:

ClinVar aggregate classification (germline): Uncertain significance. Review status: criteria provided, multiple submitters, no conflicts (2 of 4 stars). 2 submissions from 2 submitters: Uncertain significance (2). Last evaluated 2025-05-12.

Conditions:
Inborn genetic diseases. Identifiers: MedGen C0950123, MeSH D030342.

Submissions (2):

Labcorp Genetics (formerly Invitae), Labcorp
Classification: Uncertain significance. Last evaluated: 2025-05-12. Review status: criteria provided, single submitter. Criteria: Invitae Variant Classification Sherloc (09022015). Collection method: clinical testing. Allele origin: germline.
Comment: This sequence change replaces valine, which is neutral and non-polar, with methionine, which is neutral and non-polar, at codon 241 of the CRLF1 protein (p.Val241Met). This variant is present in population databases (no rsID available, gnomAD 0.003%). This variant has not been reported in the literature in individuals affected with CRLF1-related conditions. ClinVar contains an entry for this variant (Variation ID: 2107391). Invitae Evidence Modeling of protein sequence and biophysical properties (such as structural, functional, and spatial information, amino acid conservation, physicochemical variation, residue mobility, and thermodynamic stability) indicates that this missense variant is expected to disrupt CRLF1 protein function with a positive predictive value of 80%. In summary, the available evidence is currently insufficient to determine the role of this variant in disease. Therefore, it has been classified as a Variant of Uncertain Significance.

Ambry Genetics
Classification: Uncertain significance for Inborn genetic diseases. Last evaluated: 2022-10-04. Review status: criteria provided, single submitter. Criteria: Ambry Variant Classification Scheme 2023. Collection method: clinical testing. Allele origin: germline.

NM_004750.5(CRLF1):c.721G>A (p.Val241Met)

Gene: CRLF1 (cytokine receptor like factor 1; minus strand). Cytogenetic location: 19p13.11.
Variant type: single nucleotide variant.
Coding change: c.721G>A on transcript NM_004750.5 (MANE Select); coding-DNA position 721, G replaced by A.
Protein change: p.Val241Met; replaces valine 241 with methionine.
Molecular consequence: missense variant.
Genome position (GRCh38, 1-based): chr19:18,597,026, C>T on the plus strand (G>A on the coding strand, the complement: CRLF1 is on the minus strand). VCF-style: chr19-18597026-C-T. GRCh37 (hg19) VCF-style: chr19-18707836-C-T.
Other names: short protein forms V241M.
Identifiers: ClinVar variation 2107391 (VCV002107391.5), dbSNP rs1053965602, ClinGen allele CA404851063.